The following is an entry in ClinVar:

NM_152305.3(POGLUT1):c.628C>T (p.Arg210Ter)

Gene: POGLUT1 (protein O-glucosyltransferase 1; plus strand). Cytogenetic location: 3q13.33.
Variant type: single nucleotide variant.
Coding change: c.628C>T on transcript NM_152305.3 (MANE Select); coding-DNA position 628, C replaced by T.
Protein change: p.Arg210Ter; replaces arginine 210 with a stop codon.
Molecular consequence: nonsense. On other transcripts: non-coding transcript variant (1).
Genome position (GRCh38, 1-based): chr3:119,485,377, C>T. VCF-style: chr3-119485377-C-T. GRCh37 (hg19) VCF-style: chr3-119204224-C-T.
Other names: short protein forms R210*.
Identifiers: ClinVar variation 1324946 (VCV001324946.6), dbSNP rs776542098, ClinGen allele CA2554928.

ClinVar aggregate classification (germline): Pathogenic/Likely pathogenic. Review status: criteria provided, multiple submitters, no conflicts (2 of 4 stars). 2 submissions from 2 submitters: Pathogenic (1); Likely pathogenic (1). Last evaluated 2024-11-11.

Allele frequency attached by ClinVar (database versions not stated): gnomAD exomes 0.00001; TOPMed below 0.00001; ExAC 0.00001.
gnomAD v4.1: 14 of 1,604,622 alleles (0.00087%); highest among the groups gnomAD compares: Middle Eastern, 0.017%; no homozygotes.

Submissions (2):

Revvity Omics, Revvity
Classification: Likely pathogenic. Last evaluated: 2024-11-11. Review status: criteria provided, single submitter. Criteria: ACMG Guidelines, 2015. Collection method: clinical testing. Allele origin: germline.

Labcorp Genetics (formerly Invitae), Labcorp
Classification: Pathogenic. Last evaluated: 2024-10-09. Review status: criteria provided, single submitter. Criteria: Invitae Variant Classification Sherloc (09022015). Collection method: clinical testing. Allele origin: germline.
Comment: This sequence change creates a premature translational stop signal (p.Arg210*) in the POGLUT1 gene. It is expected to result in an absent or disrupted protein product. Loss-of-function variants in POGLUT1 are known to be pathogenic (PMID: 24387993). This variant is present in population databases (rs776542098, gnomAD 0.007%). This premature translational stop signal has been observed in individual(s) with autosomal dominant Dowling-Degos disease (PMID: 30414910). ClinVar contains an entry for this variant (Variation ID: 1324946). For these reasons, this variant has been classified as Pathogenic.

Literature cited by the submitters: PubMed 24387993 (cited by Labcorp Genetics (formerly Invitae), Labcorp); PubMed 30414910 (cited by Labcorp Genetics (formerly Invitae), Labcorp).